The following is an entry in ClinVar:

NM_022173.4(TIA1):c.427A>T (p.Thr143Ser)

Gene: TIA1 (TIA1 cytotoxic granule associated RNA binding protein; minus strand). Cytogenetic location: 2p13.3.
Variant type: single nucleotide variant.
Coding change: c.427A>T on transcript NM_022173.4 (MANE Select); coding-DNA position 427, A replaced by T.
Protein change: p.Thr143Ser; replaces threonine 143 with serine.
Molecular consequence: missense variant. On other transcripts: 3 prime UTR variant (2), non-coding transcript variant (17).
Genome position (GRCh38, 1-based): chr2:70,224,601, T>A on the plus strand (A>T on the coding strand, the complement: TIA1 is on the minus strand). VCF-style: chr2-70224601-T-A. GRCh37 (hg19) VCF-style: chr2-70451733-T-A.
Other names: c.427A>T, p.Thr143Ser (NM_001351508.2, NM_001351516.2, NM_001351518.2 and 1 more transcripts); c.400A>T, p.Thr134Ser (NM_001351509.2); c.394A>T, p.Thr132Ser (NM_001351510.2, NM_001351521.2, NM_022037.4); c.316A>T, p.Thr106Ser (NM_001351511.1); c.289A>T, p.Thr97Ser (NM_001351512.1); c.283A>T, p.Thr95Ser (NM_001351513.1); c.199A>T, p.Thr67Ser (NM_001351514.2, NM_001351523.2); c.124A>T, p.Thr42Ser (NM_001351515.2); and 3 more; short protein forms T106S, T143S, T97S, T132S, T134S, T67S, T3S, T42S.
Identifiers: ClinVar variation 4740757 (VCV004740757.1).

ClinVar aggregate classification (germline): Uncertain significance (1 of 4 stars; one submission).

Conditions:
Welander distal myopathy (WDM). Also called: Gower's muscular dystrophy; Welander distal myopathy, Swedish type; Distal myopathy, Swedish type; MUSCULAR DYSTROPHY, DISTAL, LATE-ONSET, AUTOSOMAL DOMINANT. Identifiers: Orphanet 603, MedGen C0221054, MONDO:0011466, OMIM 604454.

Submission:

Labcorp Genetics (formerly Invitae), Labcorp
Classification: Uncertain significance for Welander distal myopathy. Last evaluated: 2025-12-22. Review status: criteria provided, single submitter. Criteria: Invitae Variant Classification Sherloc (09022015). Collection method: clinical testing. Allele origin: germline.
Comment: This sequence change replaces threonine, which is neutral and polar, with serine, which is neutral and polar, at codon 143 of the TIA1 protein (p.Thr143Ser). This variant is not present in population databases (gnomAD no frequency). This variant has not been reported in the literature in individuals affected with TIA1-related conditions. Invitae Evidence Modeling of protein sequence and biophysical properties (such as structural, functional, and spatial information, amino acid conservation, physicochemical variation, residue mobility, and thermodynamic stability) indicates that this missense variant is not expected to disrupt TIA1 protein function with a negative predictive value of 80%. In summary, the available evidence is currently insufficient to determine the role of this variant in disease. Therefore, it has been classified as a Variant of Uncertain Significance.